The following is an entry in ClinVar:

ClinVar aggregate classification (germline): Likely benign. Review status: criteria provided, single submitter (1 of 4 stars). 2 submissions from 2 submitters: Likely benign (1). 1 of the submissions does not count toward it. Last evaluated 2022-11-01.

Conditions:
Susceptibility to nonsyndromic otitis media.

Allele frequency attached by ClinVar (database versions not stated): 1000 Genomes Project 0.00160; 1000 Genomes Project 30x 0.00219; ExAC 0.00591; ESP Exome Variant Server 0.00609.
gnomAD v4.1: 11,543 of 1,611,872 alleles (0.72%); highest among the groups gnomAD compares: Non-Finnish European, 0.85%; 63 homozygotes.

Submissions (2):

CeGaT Center for Human Genetics Tuebingen
Classification: Likely benign. Last evaluated: 2022-11-01. Review status: criteria provided, single submitter. Criteria: CeGaT Center For Human Genetics Tuebingen Variant Classification Criteria Version 2. Collection method: clinical testing. Allele origin: germline. Affected: yes. Observed: 2 variant alleles.
Comment: CDHR3: BP4, BS2

Santos-Cortez Lab, University of Colorado School of Medicine
Classification: Uncertain significance for Susceptibility to nonsyndromic otitis media. Last evaluated: 2013-02-01. Review status: no assertion criteria provided. Collection method: research. Allele origin: germline. Affected: yes. Not counted in ClinVar's aggregate classification.

NM_152750.5(CDHR3):c.2392G>T (p.Ala798Ser)

Gene: CDHR3 (cadherin related family member 3; plus strand). Cytogenetic location: 7q22.3.
Variant type: single nucleotide variant.
Coding change: c.2392G>T on transcript NM_152750.5 (MANE Select); coding-DNA position 2392, G replaced by T.
Protein change: p.Ala798Ser; replaces alanine 798 with serine.
Molecular consequence: missense variant.
Genome position (GRCh38, 1-based): chr7:106,032,431, G>T. VCF-style: chr7-106032431-G-T. GRCh37 (hg19) VCF-style: chr7-105672877-G-T.
Other names: c.2392G>T (p.(Ala798Ser)); c.2128G>T, p.Ala710Ser (NM_001301161.2); short protein forms A710S, A798S.
Identifiers: ClinVar variation 1294436 (VCV001294436.25), dbSNP rs140818720, ClinGen allele CA4428223.